The following is an entry in ClinVar:

ClinVar aggregate classification (germline): Uncertain significance (1 of 4 stars; one submission).

Submission:

CeGaT Center for Human Genetics Tuebingen
Classification: Uncertain significance. Last evaluated: 2023-01-01. Review status: criteria provided, single submitter. Criteria: CeGaT Center For Human Genetics Tuebingen Variant Classification Criteria Version 2. Collection method: clinical testing. Allele origin: germline. Affected: yes. Observed: 1 variant allele.
Comment: ZEB1: PM2

NM_001174096.2(ZEB1):c.865A>G (p.Ser289Gly)

Gene: ZEB1 (zinc finger E-box binding homeobox 1; plus strand). Cytogenetic location: 10p11.22.
Variant type: single nucleotide variant.
Coding change: c.865A>G on transcript NM_001174096.2 (MANE Select); coding-DNA position 865, A replaced by G.
Protein change: p.Ser289Gly; replaces serine 289 with glycine.
Molecular consequence: missense variant.
Genome position (GRCh38, 1-based): chr10:31,520,197, A>G. VCF-style: chr10-31520197-A-G. GRCh37 (hg19) VCF-style: chr10-31809125-A-G.
Other names: c.208A>G, p.Ser70Gly (NM_001323646.2, NM_001323647.2, NM_001323648.2 and 27 more transcripts); c.640A>G, p.Ser214Gly (NM_001323674.2); c.598A>G, p.Ser200Gly (NM_001323675.2); c.823A>G, p.Ser275Gly (NM_001323676.2); c.820A>G, p.Ser274Gly (NM_001323677.2); c.589A>G, p.Ser197Gly (NM_001323678.2); c.862A>G, p.Ser288Gly (NM_030751.6); c.814A>G, p.Ser272Gly (NM_001128128.3); and 3 more; short protein forms S197G, S200G, S214G, S221G, S268G, S271G, S272G, S274G.
Identifiers: ClinVar variation 2640397 (VCV002640397.24), dbSNP rs2543953815, ClinGen allele CA376445009.